The following is an entry in ClinVar:

NM_000264.5(PTCH1):c.2763C>G (p.Ile921Met)

Gene: PTCH1 (patched 1; minus strand). Cytogenetic location: 9q22.32.
Variant type: single nucleotide variant.
Coding change: c.2763C>G on transcript NM_000264.5 (MANE Select); coding-DNA position 2763, C replaced by G.
Protein change: p.Ile921Met; replaces isoleucine 921 with methionine.
Molecular consequence: missense variant. On other transcripts: non-coding transcript variant (1).
Genome position (GRCh38, 1-based): chr9:95,459,724, G>C on the plus strand (C>G on the coding strand, the complement: PTCH1 is on the minus strand). VCF-style: chr9-95459724-G-C. GRCh37 (hg19) VCF-style: chr9-98222006-G-C.
Other names: c.2565C>G, p.Ile855Met (NM_001083602.3); c.2760C>G, p.Ile920Met (NM_001083603.3); c.2310C>G, p.Ile770Met (NM_001083604.3, NM_001083605.3, NM_001083606.3 and 1 more transcripts); c.2607C>G, p.Ile869Met (NM_001354918.2); short protein forms I855M, I921M, I770M, I869M, I920M.
Identifiers: ClinVar variation 571105 (VCV000571105.17), dbSNP rs1564021738, ClinGen allele CA374113132.

ClinVar aggregate classification (germline): Uncertain significance. Review status: criteria provided, multiple submitters, no conflicts (2 of 4 stars). 2 submissions from 2 submitters: Uncertain significance (2). Last evaluated 2025-07-24.

Conditions:
Gorlin syndrome. Also called: Nevoid Basal Cell Carcinoma Syndrome; Basal cell nevus syndrome. Identifiers: Orphanet 377, MedGen C0004779, MONDO:0007187.
Hereditary cancer-predisposing syndrome. Also called: Hereditary neoplastic syndrome; Neoplastic Syndromes, Hereditary; Hereditary Cancer Syndrome; Tumor predisposition. Identifiers: Orphanet 140162, MedGen C0027672, MeSH D009386, MONDO:0015356.

Allele frequency attached by ClinVar (database versions not stated): gnomAD exomes below 0.00001.
gnomAD v4.1: 2 of 1,614,256 alleles (0.00012%); highest among the groups gnomAD compares: Non-Finnish European, 0.00017%; no homozygotes.

Submissions (2):

Labcorp Genetics (formerly Invitae), Labcorp
Classification: Uncertain significance for Gorlin syndrome. Last evaluated: 2025-07-24. Review status: criteria provided, single submitter. Criteria: Invitae Variant Classification Sherloc (09022015). Collection method: clinical testing. Allele origin: germline.
Comment: This sequence change replaces isoleucine, which is neutral and non-polar, with methionine, which is neutral and non-polar, at codon 921 of the PTCH1 protein (p.Ile921Met). This variant is not present in population databases (gnomAD no frequency). This variant has not been reported in the literature in individuals affected with PTCH1-related conditions. ClinVar contains an entry for this variant (Variation ID: 571105). Invitae Evidence Modeling of protein sequence and biophysical properties (such as structural, functional, and spatial information, amino acid conservation, physicochemical variation, residue mobility, and thermodynamic stability) indicates that this missense variant is not expected to disrupt PTCH1 protein function with a negative predictive value of 95%. In summary, the available evidence is currently insufficient to determine the role of this variant in disease. Therefore, it has been classified as a Variant of Uncertain Significance.

Ambry Genetics
Classification: Uncertain significance for Hereditary cancer-predisposing syndrome. Last evaluated: 2024-04-11. Review status: criteria provided, single submitter. Criteria: Ambry Variant Classification Scheme 2023. Collection method: clinical testing. Allele origin: germline.
Comment: The p.I921M variant (also known as c.2763C>G), located in coding exon 17 of the PTCH1 gene, results from a C to G substitution at nucleotide position 2763. The isoleucine at codon 921 is replaced by methionine, an amino acid with highly similar properties. This amino acid position is well conserved in available vertebrate species. In addition, this alteration is predicted to be deleterious by in silico analysis. Since supporting evidence is limited at this time, the clinical significance of this alteration remains unclear.